The following is an entry in ClinVar:

ClinVar aggregate classification (germline): Uncertain significance (1 of 4 stars; one submission).

Conditions:
LEPR-related disorder. Also called: LEPR-related disorders; LEPR-related condition.

Submission:

PreventionGenetics, part of Exact Sciences
Classification: Uncertain significance for LEPR-related condition. Last evaluated: 2026-08-03. Review status: criteria provided, single submitter. Criteria: ACMG Guidelines, 2015. Collection method: clinical testing. Allele origin: germline.
Comment: The LEPR c.2507A>G variant is predicted to result in the amino acid substitution p.His836Arg. To our knowledge, this variant has not been reported in the literature or in a large population database (gnomAD), indicating this variant is rare. At this time, the clinical significance of this variant is uncertain due to the absence of conclusive functional and genetic evidence.

NM_002303.6(LEPR):c.2507A>G (p.His836Arg)

Gene: LEPR (leptin receptor; plus strand). Cytogenetic location: 1p31.3.
Variant type: single nucleotide variant.
Coding change: c.2507A>G on transcript NM_002303.6 (MANE Select); coding-DNA position 2507, A replaced by G.
Protein change: p.His836Arg; replaces histidine 836 with arginine.
Molecular consequence: missense variant.
Genome position (GRCh38, 1-based): chr1:65,621,368, A>G. VCF-style: chr1-65621368-A-G. GRCh37 (hg19) VCF-style: chr1-66087051-A-G.
Other names: c.2507A>G, p.His836Arg (NM_001003679.3, NM_001003680.3, NM_001198687.2 and 2 more transcripts); short protein forms H836R.
Identifiers: ClinVar variation 4986239 (VCV004986239.1).